The following is an entry in ClinVar:

ClinVar aggregate classification (germline): Uncertain significance (1 of 4 stars; one submission).

Conditions:
Hyperkalemic periodic paralysis. Also called: Familial hyperkalemic periodic paralysis; Gamstorp disease. Identifiers: Orphanet 682, MedGen C0238357, MONDO:0008224, OMIM 170500, HP:0007215.

Allele frequency attached by ClinVar (database versions not stated): gnomAD exomes below 0.00001.
gnomAD v4.1: 2 of 1,598,150 alleles (0.00013%); highest among the groups gnomAD compares: East Asian, 0.0045%; 1 homozygote.

Submission:

Labcorp Genetics (formerly Invitae), Labcorp
Classification: Uncertain significance for Hyperkalemic periodic paralysis. Last evaluated: 2023-09-22. Review status: criteria provided, single submitter. Criteria: Invitae Variant Classification Sherloc (09022015). Collection method: clinical testing. Allele origin: germline.
Comment: In summary, the available evidence is currently insufficient to determine the role of this variant in disease. Therefore, it has been classified as a Variant of Uncertain Significance. Advanced modeling of protein sequence and biophysical properties (such as structural, functional, and spatial information, amino acid conservation, physicochemical variation, residue mobility, and thermodynamic stability) performed at Invitae indicates that this missense variant is not expected to disrupt SCN4A protein function. This variant has not been reported in the literature in individuals affected with SCN4A-related conditions. This variant is not present in population databases (gnomAD no frequency). This sequence change replaces methionine, which is neutral and non-polar, with threonine, which is neutral and polar, at codon 202 of the SCN4A protein (p.Met202Thr).

NM_000334.4(SCN4A):c.605T>C (p.Met202Thr)

Gene: SCN4A (sodium voltage-gated channel alpha subunit 4; minus strand). Cytogenetic location: 17q23.3.
Variant type: single nucleotide variant.
Coding change: c.605T>C on transcript NM_000334.4 (MANE Select); coding-DNA position 605, T replaced by C.
Protein change: p.Met202Thr; replaces methionine 202 with threonine.
Molecular consequence: missense variant.
Genome position (GRCh38, 1-based): chr17:63,971,728, A>G on the plus strand (T>C on the coding strand, the complement: SCN4A is on the minus strand). VCF-style: chr17-63971728-A-G. GRCh37 (hg19) VCF-style: chr17-62049088-A-G.
Other names: short protein forms M202T.
Identifiers: ClinVar variation 2795087 (VCV002795087.3), dbSNP rs777326524, ClinGen allele CA400638858.